The following is an entry in ClinVar:

ClinVar aggregate classification (germline): Uncertain significance (1 of 4 stars; one submission).

Conditions:
Thrombophilia due to protein C deficiency, autosomal dominant. Also called: PROC DEFICIENCY, AUTOSOMAL DOMINANT; PROTEIN C DEFICIENCY, AUTOSOMAL DOMINANT. Identifiers: Orphanet 745, MedGen C2674321, MONDO:0008316, OMIM 176860. Disease mechanism: loss of function.

Allele frequency attached by ClinVar (database versions not stated): gnomAD 0.00001; ExAC 0.00002; TOPMed 0.00002; gnomAD exomes 0.00003 and 0.00009.
gnomAD v4.1: 127 of 1,613,892 alleles (0.0079%); highest among the groups gnomAD compares: Non-Finnish European, 0.01%; no homozygotes.

Submission:

Labcorp Genetics (formerly Invitae), Labcorp
Classification: Uncertain significance for Thrombophilia due to protein C deficiency, autosomal dominant. Last evaluated: 2022-10-23. Review status: criteria provided, single submitter. Criteria: Invitae Variant Classification Sherloc (09022015). Collection method: clinical testing. Allele origin: germline.
Comment: This sequence change replaces histidine, which is basic and polar, with glutamine, which is neutral and polar, at codon 370 of the PROC protein (p.His370Gln). This variant is present in population databases (rs778063605, gnomAD 0.006%). This missense change has been observed in individual(s) with deep vein thrombosis (PMID: 22353194). ClinVar contains an entry for this variant (Variation ID: 1009680). Advanced modeling of protein sequence and biophysical properties (such as structural, functional, and spatial information, amino acid conservation, physicochemical variation, residue mobility, and thermodynamic stability) performed at Invitae indicates that this missense variant is not expected to disrupt PROC protein function. In summary, the available evidence is currently insufficient to determine the role of this variant in disease. Therefore, it has been classified as a Variant of Uncertain Significance.

Literature cited by the submitters: PubMed 22353194.

NM_000312.4(PROC):c.1110C>A (p.His370Gln)

Gene: PROC (protein C, inactivator of coagulation factors Va and VIIIa; plus strand). Cytogenetic location: 2q14.3.
Variant type: single nucleotide variant.
Coding change: c.1110C>A on transcript NM_000312.4 (MANE Select); coding-DNA position 1110, C replaced by A.
Protein change: p.His370Gln; replaces histidine 370 with glutamine.
Molecular consequence: missense variant.
Genome position (GRCh38, 1-based): chr2:127,428,670, C>A. VCF-style: chr2-127428670-C-A. GRCh37 (hg19) VCF-style: chr2-128186246-C-A.
Other names: c.1293C>A, p.His431Gln (NM_001375602.1); c.1275C>A, p.His425Gln (NM_001375603.1); c.1173C>A, p.His391Gln (NM_001375604.1); c.1212C>A, p.His404Gln (NM_001375605.1); c.1278C>A, p.His426Gln (NM_001375606.1); c.1296C>A, p.His432Gln (NM_001375607.1); c.1053C>A, p.His351Gln (NM_001375608.1); c.1086C>A, p.His362Gln (NM_001375609.1); and 2 more; short protein forms H351Q, H362Q, H368Q, H370Q, H391Q, H404Q, H425Q, H426Q.
Identifiers: ClinVar variation 1009680 (VCV001009680.6), dbSNP rs778063605, ClinGen allele CA1859526.
Genomic context (GRCh38, chr2:127,428,670, plus strand): 5'-GGAGGCCAAGAGAAACCGCACCTTCGTCCTCAACTTCATCAAGATTCCCGTGGTCCCGCA[C>A]AATGAGTGCAGCGAGGTCATGAGCAACATGGTGTCTGAGAACATGCTGTGTGCGGGCATC-3'
Protein context (NP_000303.1, residues 360-380): LNFIKIPVVP[His370Gln]NECSEVMSNM